The following is an entry in ClinVar:

NM_001042492.3(NF1):c.7359C>A (p.Cys2453Ter)

Gene: NF1 (neurofibromin 1; plus strand). Cytogenetic location: 17q11.2.
Variant type: single nucleotide variant.
Coding change: c.7359C>A on transcript NM_001042492.3 (MANE Select); coding-DNA position 7359, C replaced by A.
Protein change: p.Cys2453Ter; replaces cysteine 2453 with a stop codon.
Molecular consequence: nonsense.
Genome position (GRCh38, 1-based): chr17:31,350,220, C>A. VCF-style: chr17-31350220-C-A. GRCh37 (hg19) VCF-style: chr17-29677238-C-A.
Other names: c.7296C>A, p.Cys2432Ter (NM_000267.4); short protein forms C2432*, C2453*.
Identifiers: ClinVar variation 1072587 (VCV001072587.7), dbSNP rs1555536126, ClinGen allele CA399017019.

ClinVar aggregate classification (germline): Pathogenic. Review status: criteria provided, multiple submitters, no conflicts (2 of 4 stars). 3 submissions from 3 submitters: Pathogenic (3). Last evaluated 2026-04-30.

Conditions:
Cardiovascular phenotype. Identifiers: MedGen CN230736.
Hereditary cancer-predisposing syndrome. Also called: Hereditary neoplastic syndrome; Neoplastic Syndromes, Hereditary; Tumor predisposition; Hereditary Cancer Syndrome. Identifiers: Orphanet 140162, MedGen C0027672, MeSH D009386, MONDO:0015356.
Neurofibromatosis, type 1 (NF1). Also called: NEUROFIBROMATOSIS, TYPE I, SOMATIC; Neurofibromatosis, type I; VON RECKLINGHAUSEN DISEASE; Peripheral type neurofibromatosis. Identifiers: Orphanet 636, MedGen C0027831, MONDO:0018975, OMIM 162200. Disease mechanism: loss of function.

Submissions (3):

Ambry Genetics
Classification: Pathogenic for Cardiovascular phenotype; Hereditary cancer-predisposing syndrome. Last evaluated: 2026-04-30. Review status: criteria provided, single submitter. Criteria: Ambry Variant Classification Scheme 2023. Collection method: clinical testing. Allele origin: germline.
Comment: The p.C2432* pathogenic mutation (also known as c.7296C>A), located in coding exon 49 of the NF1 gene, results from a C to A substitution at nucleotide position 7296. This changes the amino acid from a cysteine to a stop codon within coding exon 49. This variant was reported in individual(s) with features consistent with neurofibromatosis type 1 (G&uuml;ne N et al. Ann Hum Genet. 2021 Sep;85:155-165; Kluwe L et al. J Med Genet. 2003 May;40:368-71; Ambry internal data). This variant is considered to be rare based on population cohorts in the Genome Aggregation Database (gnomAD).This alteration is expected to result in loss of function by premature protein truncation or nonsense-mediated mRNA decay. As such, this alteration is interpreted as a disease-causing mutation.

Women's Health and Genetics/Laboratory Corporation of America, LabCorp
Classification: Pathogenic for Neurofibromatosis, type 1. Last evaluated: 2022-10-27. Review status: criteria provided, single submitter. Criteria: LabCorp Variant Classification Summary - May 2015. Collection method: clinical testing. Allele origin: germline.
Comment: Variant summary: NF1 c.7296C>A (p.Cys2432X) results in a premature termination codon, predicted to cause a truncation of the encoded protein or absence of the protein due to nonsense mediated decay, which are commonly known mechanisms for disease. Truncations downstream of this position have been classified as pathogenic by our laboratory. The variant was absent in 251376 control chromosomes (gnomAD). c.7296C>A has been reported in the literature in individuals affected with Neurofibromatosis Type 1 (e.g. Kluwe_2003, Gunes_2021). These data indicate that the variant is likely to be associated with disease. To our knowledge, no experimental evidence demonstrating an impact on protein function has been reported. One clinical diagnostic laboratory has submitted a clinical-significance assessment for this variant to ClinVar after 2014 and classified the variant as pathogenic. Based on the evidence outlined above, the variant was classified as pathogenic.

Labcorp Genetics (formerly Invitae), Labcorp
Classification: Pathogenic for Neurofibromatosis, type 1. Last evaluated: 2020-01-30. Review status: criteria provided, single submitter. Criteria: Invitae Variant Classification Sherloc (09022015). Collection method: clinical testing. Allele origin: germline.
Comment: This variant has been observed in individual(s) affected with neurofibromatosis type 1 (PMID: 12746402, Invitae). For these reasons, this variant has been classified as Pathogenic. Loss-of-function variants in NF1 are known to be pathogenic (PMID: 10712197, 23913538). This variant is not present in population databases (ExAC no frequency). This sequence change creates a premature translational stop signal (p.Cys2432*) in the NF1 gene. It is expected to result in an absent or disrupted protein product.

Literature cited by the submitters: PubMed 12746402 (cited by 3 submitters); PubMed 33877690 (cited by Ambry Genetics and Women's Health and Genetics/Laboratory Corporation of America, LabCorp); PubMed 10712197 (cited by Labcorp Genetics (formerly Invitae), Labcorp); PubMed 23913538 (cited by Labcorp Genetics (formerly Invitae), Labcorp).